The following is an entry in ClinVar:

NM_014874.4(MFN2):c.1564T>C (p.Phe522Leu)

Gene: MFN2 (mitofusin 2; plus strand). Cytogenetic location: 1p36.22.
Variant type: single nucleotide variant.
Coding change: c.1564T>C on transcript NM_014874.4 (MANE Select); coding-DNA position 1564, T replaced by C.
Protein change: p.Phe522Leu; replaces phenylalanine 522 with leucine.
Molecular consequence: missense variant.
Genome position (GRCh38, 1-based): chr1:12,005,779, T>C. VCF-style: chr1-12005779-T-C. GRCh37 (hg19) VCF-style: chr1-12065836-T-C.
Other names: c.1564T>C, p.Phe522Leu (NM_001127660.2); short protein forms F522L.
Identifiers: ClinVar variation 1315208 (VCV001315208.5), dbSNP rs747397065, ClinGen allele CA338447957.

ClinVar aggregate classification (germline): Uncertain significance. Review status: criteria provided, multiple submitters, no conflicts (2 of 4 stars). 2 submissions from 2 submitters: Uncertain significance (2). Last evaluated 2023-03-10.

Conditions:
Charcot-Marie-Tooth disease type 2. Also called: Charcot-Marie-Tooth type 2. Identifiers: Orphanet 64746, MedGen C0270914, MONDO:0018993.

Allele frequency attached by ClinVar (database versions not stated): gnomAD 0.00001.
gnomAD v4.1: 2 of 1,614,104 alleles (0.00012%); highest among the groups gnomAD compares: African/African-American, 0.0027%; no homozygotes.

Submissions (2):

Labcorp Genetics (formerly Invitae), Labcorp
Classification: Uncertain significance for Charcot-Marie-Tooth disease type 2. Last evaluated: 2023-03-10. Review status: criteria provided, single submitter. Criteria: Invitae Variant Classification Sherloc (09022015). Collection method: clinical testing. Allele origin: germline.
Comment: This sequence change replaces phenylalanine, which is neutral and non-polar, with leucine, which is neutral and non-polar, at codon 522 of the MFN2 protein (p.Phe522Leu). This variant is present in population databases (no rsID available, gnomAD 0.007%). This variant has not been reported in the literature in individuals affected with MFN2-related conditions. ClinVar contains an entry for this variant (Variation ID: 1315208). Advanced modeling of protein sequence and biophysical properties (such as structural, functional, and spatial information, amino acid conservation, physicochemical variation, residue mobility, and thermodynamic stability) performed at Invitae indicates that this missense variant is expected to disrupt MFN2 protein function. In summary, the available evidence is currently insufficient to determine the role of this variant in disease. Therefore, it has been classified as a Variant of Uncertain Significance.

GeneDx
Classification: Uncertain significance. Last evaluated: 2020-02-26. Review status: criteria provided, single submitter. Criteria: GeneDx Variant Classification Process June 2021. Collection method: clinical testing. Allele origin: germline. Affected: yes.
Comment: Not observed at a significant frequency in large population cohorts (Lek et al., 2016); In silico analysis supports that this missense variant has a deleterious effect on protein structure/function; Has not been previously published as pathogenic or benign to our knowledge